The following is an entry in ClinVar:

ClinVar aggregate classification (germline): Uncertain significance (1 of 4 stars; one submission).

Submission:

Labcorp Genetics (formerly Invitae), Labcorp
Classification: Uncertain significance. Last evaluated: 2020-03-02. Review status: criteria provided, single submitter. Criteria: Invitae Variant Classification Sherloc (09022015). Collection method: clinical testing. Allele origin: germline.
Comment: In summary, the available evidence is currently insufficient to determine the role of this variant in disease. Therefore, it has been classified as a Variant of Uncertain Significance. Nucleotide substitutions within the consensus splice site are a relatively common cause of aberrant splicing (PMID: 17576681, 9536098). Algorithms developed to predict the effect of sequence changes on RNA splicing suggest that this variant may disrupt the consensus splice site, but this prediction has not been confirmed by published transcriptional studies. This variant has not been reported in the literature in individuals with MTOR-related conditions. This variant is not present in population databases (ExAC no frequency). This sequence change falls in intron 24 of the MTOR gene. It does not directly change the encoded amino acid sequence of the MTOR protein, but it affects a nucleotide within the consensus splice site of the intron.

Literature cited by the submitters: PubMed 17576681; PubMed 9536098.

NM_004958.4(MTOR):c.3654+4A>G

Gene: MTOR (mechanistic target of rapamycin kinase; minus strand). Cytogenetic location: 1p36.22.
Variant type: single nucleotide variant.
Coding change: c.3654+4A>G on transcript NM_004958.4 (MANE Select); 4 bases into the intron after coding-DNA position 3654, A replaced by G.
Molecular consequence: intron variant.
Genome position (GRCh38, 1-based): chr1:11,210,810, T>C on the plus strand (A>G on the coding strand, the complement: MTOR is on the minus strand). VCF-style: chr1-11210810-T-C. GRCh37 (hg19) VCF-style: chr1-11270867-T-C.
Identifiers: ClinVar variation 1015460 (VCV001015460.7), dbSNP rs1646286841, ClinGen allele CA1153563865.
Genomic context (GRCh38, chr1:11,210,810, plus strand): 5'-ATTACAAGAATATCAAGTAGTAAAGACAACAGGGACTTCAGAACAGAAAAGAAGTATAGT[T>C]CACCTTGACAATTCTGCAGATGAGCACATCATAGCGCTGATGATTGATTCGGTGTCGCAC-3'